The following is an entry in ClinVar:

NM_000062.3(SERPING1):c.716C>T (p.Ala239Val)

Gene: SERPING1 (serpin family G member 1; plus strand). Cytogenetic location: 11q12.1.
Variant type: single nucleotide variant.
Coding change: c.716C>T on transcript NM_000062.3 (MANE Select); coding-DNA position 716, C replaced by T.
Protein change: p.Ala239Val; replaces alanine 239 with valine.
Molecular consequence: missense variant.
Genome position (GRCh38, 1-based): chr11:57,606,040, C>T. VCF-style: chr11-57606040-C-T. GRCh37 (hg19) VCF-style: chr11-57373513-C-T.
Other names: c.716C>T, p.Ala239Val (NM_001032295.2); short protein forms A239V.
Identifiers: ClinVar variation 3650591 (VCV003650591.2).

ClinVar aggregate classification (germline): Uncertain significance (1 of 4 stars; one submission).

Submission:

Labcorp Genetics (formerly Invitae), Labcorp
Classification: Uncertain significance. Last evaluated: 2025-01-24. Review status: criteria provided, single submitter. Criteria: Invitae Variant Classification Sherloc (09022015). Collection method: clinical testing. Allele origin: germline.
Comment: This sequence change replaces alanine, which is neutral and non-polar, with valine, which is neutral and non-polar, at codon 239 of the SERPING1 protein (p.Ala239Val). This variant is not present in population databases (gnomAD no frequency). This variant has not been reported in the literature in individuals affected with SERPING1-related conditions. Invitae Evidence Modeling of protein sequence and biophysical properties (such as structural, functional, and spatial information, amino acid conservation, physicochemical variation, residue mobility, and thermodynamic stability) has been performed for this missense variant. However, the output from this modeling did not meet the statistical confidence thresholds required to predict the impact of this variant on SERPING1 protein function. In summary, the available evidence is currently insufficient to determine the role of this variant in disease. Therefore, it has been classified as a Variant of Uncertain Significance.